The following is an entry in ClinVar:

NM_002485.5(NBN):c.584+4T>C

Gene: NBN (nibrin; minus strand). Cytogenetic location: 8q21.3.
Variant type: single nucleotide variant.
Coding change: c.584+4T>C on transcript NM_002485.5 (MANE Select); 4 bases into the intron after coding-DNA position 584, T replaced by C.
Molecular consequence: intron variant.
Genome position (GRCh38, 1-based): chr8:89,978,216, A>G on the plus strand (T>C on the coding strand, the complement: NBN is on the minus strand). VCF-style: chr8-89978216-A-G. GRCh37 (hg19) VCF-style: chr8-90990444-A-G.
Other names: c.338+4T>C (NM_001024688.3).
Identifiers: ClinVar variation 2452394 (VCV002452394.2), dbSNP rs2488343248, ClinGen allele CA2580079149.

ClinVar aggregate classification (germline): Uncertain significance (1 of 4 stars; one submission).

Conditions:
Hereditary cancer-predisposing syndrome. Also called: Neoplastic Syndromes, Hereditary; Tumor predisposition; Hereditary neoplastic syndrome; Hereditary Cancer Syndrome. Identifiers: Orphanet 140162, MedGen C0027672, MeSH D009386, MONDO:0015356.

Submission:

Ambry Genetics
Classification: Uncertain significance for Hereditary cancer-predisposing syndrome. Last evaluated: 2022-12-12. Review status: criteria provided, single submitter. Criteria: Ambry Variant Classification Scheme 2023. Collection method: clinical testing. Allele origin: germline.
Comment: The c.584+4T>C intronic variant results from a T to C substitution 4 nucleotides after coding exon 5 in the NBN gene. This nucleotide position is well conserved in available vertebrate species. In silico splice site analysis predicts that this alteration will not have any significant effect on splicing. Since supporting evidence is limited at this time, the clinical significance of this alteration remains unclear.